The following is an entry in ClinVar:

ClinVar aggregate classification (germline): Pathogenic (1 of 4 stars; one submission).

Conditions:
Peroxisome biogenesis disorder 11A (Zellweger). Also called: Peroxisome biogenesis disorder 11A. Identifiers: Orphanet 912, MedGen C3554000, MONDO:0013949, OMIM 614883.

Submission:

Labcorp Genetics (formerly Invitae), Labcorp
Classification: Pathogenic for Peroxisome biogenesis disorder 11A (Zellweger). Last evaluated: 2023-09-28. Review status: criteria provided, single submitter. Criteria: Invitae Variant Classification Sherloc (09022015). Collection method: clinical testing. Allele origin: germline.
Comment: For these reasons, this variant has been classified as Pathogenic. This variant has not been reported in the literature in individuals affected with PEX13-related conditions. This variant is not present in population databases (gnomAD no frequency). This sequence change creates a premature translational stop signal (p.Leu199*) in the PEX13 gene. It is expected to result in an absent or disrupted protein product. Loss-of-function variants in PEX13 are known to be pathogenic (PMID: 10332040, 21031596).

Literature cited by the submitters: PubMed 10332040; PubMed 21031596.

NM_002618.4(PEX13):c.596T>G (p.Leu199Ter)

Gene: PEX13 (peroxisomal biogenesis factor 13; plus strand). Cytogenetic location: 2p15.
Variant type: single nucleotide variant.
Coding change: c.596T>G on transcript NM_002618.4 (MANE Select); coding-DNA position 596, T replaced by G.
Protein change: p.Leu199Ter; replaces leucine 199 with a stop codon.
Molecular consequence: nonsense.
Genome position (GRCh38, 1-based): chr2:61,031,922, T>G. VCF-style: chr2-61031922-T-G. GRCh37 (hg19) VCF-style: chr2-61259057-T-G.
Other names: short protein forms L199*.
Identifiers: ClinVar variation 2762794 (VCV002762794.3), dbSNP rs2467508404, ClinGen allele CA346943993.